The following is an entry in ClinVar:

NM_001385001.1(MCTP2):c.1583-6T>C

Gene: MCTP2 (multiple C2 and transmembrane domain containing 2; plus strand). Cytogenetic location: 15q26.2.
Variant type: single nucleotide variant.
Coding change: c.1583-6T>C on transcript NM_001385001.1 (MANE Select); 6 bases into the intron before coding-DNA position 1583, T replaced by C.
Molecular consequence: intron variant.
Genome position (GRCh38, 1-based): chr15:94,384,016, T>C. VCF-style: chr15-94384016-T-C. GRCh37 (hg19) VCF-style: chr15-94927245-T-C.
Other names: c.1583-6T>C (NM_001385002.1, NM_001385003.1, NM_018349.4 and 5 more transcripts); c.1301-6T>C (NM_001385007.1); c.1085-6T>C (NM_001385009.1, NM_001385010.1); c.1265-6T>C (NM_001385011.1); c.347-6T>C (NM_001159644.2).
Identifiers: ClinVar variation 780008 (VCV000780008.7), dbSNP rs79255234, ClinGen allele CA7750045.

ClinVar aggregate classification (germline): Benign. Review status: criteria provided, multiple submitters, no conflicts (2 of 4 stars). 3 submissions from 3 submitters: Benign (2). 1 of the submissions does not count toward it. Last evaluated 2019-12-31.

Conditions:
MCTP2-related disorder. Also called: MCTP2-related condition.

Allele frequency attached by ClinVar (database versions not stated): gnomAD 0.01303; ESP Exome Variant Server 0.01432; 1000 Genomes Project 30x 0.01577; gnomAD exomes 0.00139 and 0.00339; 1000 Genomes Project 0.01458; ExAC 0.00413; TOPMed 0.01502.
gnomAD v4.1: 4,066 of 1,602,776 alleles (0.25%); highest among the groups gnomAD compares: African/African-American, 4.6%; 78 homozygotes.

Submissions (3):

Labcorp Genetics (formerly Invitae), Labcorp
Classification: Benign. Last evaluated: 2019-12-31. Review status: criteria provided, single submitter. Criteria: Invitae Variant Classification Sherloc (09022015). Collection method: clinical testing. Allele origin: germline.

Breakthrough Genomics
Classification: Benign. Review status: criteria provided, single submitter. Criteria: ACMG Guidelines, 2015. Collection method: not provided. Allele origin: germline. Inheritance: Unknown mechanism. Affected: yes.

PreventionGenetics, part of Exact Sciences
Classification: Benign for MCTP2-related condition. Last evaluated: 2019-02-25. Review status: no assertion criteria provided. Collection method: clinical testing. Allele origin: germline. Not counted in ClinVar's aggregate classification.
Comment: This variant is classified as benign based on ACMG/AMP sequence variant interpretation guidelines (Richards et al. 2015 PMID: 25741868, with internal and published modifications).